The following is an entry in ClinVar:

ClinVar aggregate classification (germline): Likely benign. Review status: criteria provided, multiple submitters, no conflicts (2 of 4 stars). 2 submissions from 2 submitters: Likely benign (2). Last evaluated 2023-04-03.

Conditions:
Retinoblastoma (RB1). Also called: RETINOBLASTOMA, SOMATIC. Identifiers: Orphanet 790, MedGen C0035335, MeSH D012175, MONDO:0008380, OMIM 180200, HP:0009919. Disease mechanism: loss of function. Inheritance: Both sporadic and heritable forms are tested..

Submissions (2):

All of Us Research Program, National Institutes of Health
Classification: Likely benign for Retinoblastoma. Last evaluated: 2023-04-03. Review status: criteria provided, single submitter. Criteria: ACMG Guidelines, 2015. Collection method: clinical testing. Allele origin: germline. Inheritance: Autosomal dominant inheritance. Observed: 1 variant allele, 1 heterozygote.
Comment: This study involves interpretation of variants in research participants for the purpose of population health screening. Participant phenotype was not available at the time of variant classification. Additional details can be found in publication PMID: 35346344, PMCID: PMC8962531

Labcorp Genetics (formerly Invitae), Labcorp
Classification: Likely benign for Retinoblastoma. Last evaluated: 2023-03-12. Review status: criteria provided, single submitter. Criteria: Invitae Variant Classification Sherloc (09022015). Collection method: clinical testing. Allele origin: germline.

NM_000321.3(RB1):c.2010G>C (p.Leu670=)

Gene: RB1 (RB transcriptional corepressor 1; plus strand). Cytogenetic location: 13q14.2.
Variant type: single nucleotide variant.
Coding change: c.2010G>C on transcript NM_000321.3 (MANE Select); coding-DNA position 2010, G replaced by C.
Protein change: p.Leu670=; no amino-acid change (leucine 670 retained).
Molecular consequence: synonymous variant.
Genome position (GRCh38, 1-based): chr13:48,459,737, G>C. VCF-style: chr13-48459737-G-C. GRCh37 (hg19) VCF-style: chr13-49033873-G-C.
Other names: c.2010G>C, p.Leu670= (NM_001407165.1).
Identifiers: ClinVar variation 2861836 (VCV002861836.4), dbSNP rs1432948550, ClinGen allele CA483559006.